The following is an entry in ClinVar:

NM_001009944.3(PKD1):c.10951_10961del (p.Gly3651fs)

Genes: PKD1 (polycystin 1, transient receptor potential channel interacting; minus strand), PKD1-AS1 (PKD1 antisense RNA 1; plus strand). Cytogenetic location: 16p13.3.
Variant type: Deletion.
Coding change: c.10951_10961del on transcript NM_001009944.3 (MANE Select); coding-DNA positions 10951 to 10961, 11 bases deleted (GGCTTTGCACT).
Protein change: p.Gly3651fs; shifts the reading frame from glycine 3651.
Molecular consequence: frameshift variant.
Genome position (GRCh38, 1-based): chr16:2,093,599-2,093,609, AGTGCAAAGCC deleted on the plus strand (GGCTTTGCACT on the coding strand, the reverse complement: PKD1 is on the minus strand). VCF-style (leftmost placement, unchanged base first): chr16-2093598-GAGTGCAAAGCC-G. GRCh37 (hg19) VCF-style: chr16-2143599-GAGTGCAAAGCC-G.
Other names: c.10948_10958del, p.Gly3650fs (NM_000296.4); short protein forms G3650fs, G3651fs.
Identifiers: ClinVar variation 4852339 (VCV004852339.1).

ClinVar aggregate classification (germline): Pathogenic (1 of 4 stars; one submission).

Conditions:
Polycystic kidney disease, adult type (PKD1). Also called: Polycystic Kidney, Autosomal Dominant; POLYCYSTIC KIDNEY DISEASE, ADULT, TYPE I; Polycystic Kidney Disease 1, Autosomal Dominant; Polycystic kidney disease 1; Polycystic kidney disease 1, severe; POLYCYSTIC KIDNEY DISEASE 1 WITH OR WITHOUT POLYCYSTIC LIVER DISEASE. Identifiers: MedGen C3149841, MONDO:0008263, OMIM 173900.

Submission:

MVZ Medizinische Genetik Mainz
Classification: Pathogenic for Polycystic kidney disease, adult type. Last evaluated: 2026-04-20. Review status: criteria provided, single submitter. Criteria: UK Practice Guidelines For Variant Classification V4 01 2020. Collection method: clinical testing. Allele origin: germline. Inheritance: Autosomal dominant inheritance. Affected: yes. Observed: 1 variant allele.
Comment: ACMG Criteria: PVS1,PM2_SUP,PP4